The following is an entry in ClinVar:

NM_144997.7(FLCN):c.1735A>C (p.Asn579His)

Gene: FLCN (folliculin; minus strand). Cytogenetic location: 17p11.2.
Variant type: single nucleotide variant.
Coding change: c.1735A>C on transcript NM_144997.7 (MANE Select); coding-DNA position 1735, A replaced by C.
Protein change: p.Asn579His; replaces asparagine 579 with histidine.
Molecular consequence: missense variant.
Genome position (GRCh38, 1-based): chr17:17,213,660, T>G on the plus strand (A>C on the coding strand, the complement: FLCN is on the minus strand). VCF-style: chr17-17213660-T-G. GRCh37 (hg19) VCF-style: chr17-17116974-T-G.
Other names: c.1789A>C, p.Asn597His (NM_001353229.2); c.1735A>C, p.Asn579His (NM_001353230.2, NM_001353231.2); short protein forms N579H, N597H.
Identifiers: ClinVar variation 4871389 (VCV004871389.1).
Genomic context (GRCh38, chr17:17,213,660, plus strand): 5'-GCTGGAGGATCCTGTGGACAGCCATCCCTGTCTTTAGGCAGGTGTGTGTGACGGGTCAGT[T>G]CCGAGACTCCGAGGCTGTGGGGCTGCGGACCGTGGACATGAGGTGTGACTTGTAGGTCTT-3'
Protein context (NP_659434.2, residues 569-579): VRSPTASESR[Asn579His]

ClinVar aggregate classification (germline): Uncertain significance (1 of 4 stars; one submission).

Conditions:
Hereditary cancer-predisposing syndrome. Also called: Neoplastic Syndromes, Hereditary; Hereditary Cancer Syndrome; Hereditary neoplastic syndrome; Tumor predisposition. Identifiers: Orphanet 140162, MedGen C0027672, MeSH D009386, MONDO:0015356.

Submission:

Ambry Genetics
Classification: Uncertain significance for Hereditary cancer-predisposing syndrome. Last evaluated: 2026-05-03. Review status: criteria provided, single submitter. Criteria: Ambry Variant Classification Scheme 2023. Collection method: clinical testing. Allele origin: germline.
Comment: The p.N579H variant (also known as c.1735A>C), located in coding exon 11 of the FLCN gene, results from an A to C substitution at nucleotide position 1735. The asparagine at codon 579 is replaced by histidine, an amino acid with similar properties. This amino acid position is conserved. In addition, the in silico prediction for this alteration is inconclusive. Based on the available evidence, the clinical significance of this variant remains unclear.